The following is an entry in ClinVar:

NM_000089.4(COL1A2):c.3955-16T>G

Gene: COL1A2 (collagen type I alpha 2 chain; plus strand). Cytogenetic location: 7q21.3.
Variant type: single nucleotide variant.
Coding change: c.3955-16T>G on transcript NM_000089.4 (MANE Select); 16 bases into the intron before coding-DNA position 3955, T replaced by G.
Molecular consequence: intron variant.
Genome position (GRCh38, 1-based): chr7:94,430,231, T>G. VCF-style: chr7-94430231-T-G. GRCh37 (hg19) VCF-style: chr7-94059543-T-G.
Identifiers: ClinVar variation 681167 (VCV000681167.1), dbSNP rs1268884051, ClinGen allele CA844042178.

ClinVar aggregate classification (germline): Likely benign (1 of 4 stars; one submission).

Allele frequency attached by ClinVar (database versions not stated): gnomAD exomes below 0.00001; gnomAD 0.00001; TOPMed 0.00002.
gnomAD v4.1: 2 of 1,611,448 alleles (0.00012%); highest among the groups gnomAD compares: Non-Finnish European, 0.00017%; no homozygotes.

Submission:

GeneDx
Classification: Likely benign. Last evaluated: 2018-03-28. Review status: criteria provided, single submitter. Criteria: GeneDx Variant Classification (06012015). Collection method: clinical testing. Allele origin: germline. Affected: yes.
Comment: This variant is considered likely benign or benign based on one or more of the following criteria: it is a conservative change, it occurs at a poorly conserved position in the protein, it is predicted to be benign by multiple in silico algorithms, and/or has population frequency not consistent with disease.